The following is an entry in ClinVar:

ClinVar aggregate classification (germline): Pathogenic/Likely pathogenic. Review status: criteria provided, multiple submitters, no conflicts (2 of 4 stars). 3 submissions from 3 submitters: Pathogenic (2); Likely pathogenic (1). Last evaluated 2024-12-11.

Conditions:
Hereditary cancer-predisposing syndrome. Also called: Hereditary Cancer Syndrome; Hereditary neoplastic syndrome; Neoplastic Syndromes, Hereditary; Tumor predisposition. Identifiers: Orphanet 140162, MedGen C0027672, MeSH D009386, MONDO:0015356.
Hereditary breast ovarian cancer syndrome. Also called: BRCA1- and BRCA2-Associated Hereditary Breast and Ovarian Cancer; Hereditary breast and ovarian cancer syndrome; Hereditary breast and ovarian cancer syndrome (HBOC); Breast and ovarian cancer; Hereditary breast and/or ovarian cancer syndrome; Hereditary breast and ovarian cancer. Identifiers: Orphanet 145, MedGen C0677776, MeSH D061325, MONDO:0003582. Disease mechanism: loss of function.
Breast-ovarian cancer, familial, susceptibility to, 1 (BROVCA1). Also called: BRCA1 Hereditary Breast and Ovarian Cancer; OVARIAN CANCER, SUSCEPTIBILITY TO. Identifiers: Orphanet 145, MedGen C2676676, MONDO:0011450, OMIM 604370. Disease mechanism: loss of function.

Submissions (4):

Ambry Genetics
Classification: Likely pathogenic for Hereditary cancer-predisposing syndrome. Last evaluated: 2024-12-11. Review status: criteria provided, single submitter. Criteria: Ambry Variant Classification Scheme 2023. Collection method: clinical testing. Allele origin: germline.
Comment: The c.4987-5T>A intronic variant results from a T to A substitution 5 nucleotides upstream from coding exon 15 in the BRCA1 gene. This alteration was identified within a South African cohort of breast and/or ovarian cancer patients undergoing BRCA1/2 genetic testing (Van der Merwe NC et al. Front Genet, 2022 Apr;13:834265). In addition, this alteration was identified in a large, worldwide study of BRCA1/2 mutation positive families (Rebbeck TR et al. Hum Mutat, 2018 May;39:593-620). RNA studies have demonstrated that this alteration results in abnormal splicing in the set of samples tested (Bonnet C et al. J Med Genet, 2008 Jul;45:438-46; Houdayer C et al. Hum Mutat, 2012 Aug;33:1228-38; Ambry internal data). This nucleotide position is highly conserved in available vertebrate species. In silico splice site analysis predicts that this alteration will weaken the native splice acceptor site. This variant is considered to be rare based on population cohorts in the Genome Aggregation Database (gnomAD). Based on the majority of available evidence to date, this variant is likely to be pathogenic.

Labcorp Genetics (formerly Invitae), Labcorp
Classification: Pathogenic for Hereditary breast ovarian cancer syndrome. Last evaluated: 2022-10-07. Review status: criteria provided, single submitter. Criteria: Invitae Variant Classification Sherloc (09022015). Collection method: clinical testing. Allele origin: germline.
Comment: This sequence change falls in intron 15 of the BRCA1 gene. It does not directly change the encoded amino acid sequence of the BRCA1 protein. RNA analysis indicates that this variant induces altered splicing and may result in an absent or disrupted protein product. This variant is not present in population databases (gnomAD no frequency). This variant has not been reported in the literature in individuals affected with BRCA1-related conditions. ClinVar contains an entry for this variant (Variation ID: 55347). Algorithms developed to predict the effect of variants on protein structure and function are not available or were not evaluated for this variant. Experimental studies have shown that this variant affects BRCA1 function (PMID: 30209399). Studies have shown that this variant results in skipping of exon 16 and partial inclusion of intron 16 and introduces a premature termination codon (PMID: 18424508). The resulting mRNA is expected to undergo nonsense-mediated decay. This variant disrupts the c.4987-5T>C nucleotide in the BRCA1 gene. Other variant(s) that disrupt this nucleotide have been determined to be pathogenic (PMID: 29446198, 30078507, 30209399). This suggests that this nucleotide is clinically significant, and that variants that disrupt this position are likely to be disease-causing. For these reasons, this variant has been classified as Pathogenic.

Consortium of Investigators of Modifiers of BRCA1/2 (CIMBA), c/o University of Cambridge
Classification: Pathogenic for Breast-ovarian cancer, familial, susceptibility to, 1. Last evaluated: 2015-10-02. Review status: criteria provided, single submitter. Criteria: CIMBA Mutation Classification guidelines May 2016. Collection method: clinical testing. Allele origin: germline.

Brotman Baty Institute, University of Washington
No classification provided (evidence only). Condition: Breast-ovarian cancer, familial 1. Review status: no classification provided. Collection method: in vitro. Allele origin: not applicable. Functional consequence: functionally_abnormal. Not counted in ClinVar's aggregate classification.
ClinVar note: "not provided" was previously submitted as the classification for the variant. However, the classification appeared to be based only on an observation of functional data so it was converted to no classification on 2025-07-30.

Literature cited by the submitters: PubMed 18424508 (cited by Ambry Genetics and Labcorp Genetics (formerly Invitae), Labcorp); PubMed 22505045 (cited by Ambry Genetics); PubMed 29446198 (cited by Ambry Genetics and Labcorp Genetics (formerly Invitae), Labcorp); PubMed 35464868 (cited by Ambry Genetics); PubMed 30209399 (cited by Labcorp Genetics (formerly Invitae), Labcorp); PubMed 30078507 (cited by Labcorp Genetics (formerly Invitae), Labcorp).

NM_007294.4(BRCA1):c.4987-5T>A

Gene: BRCA1 (BRCA1 DNA repair associated; minus strand). Cytogenetic location: 17q21.31.
Variant type: single nucleotide variant.
Coding change: c.4987-5T>A on transcript NM_007294.4 (MANE Select); 5 bases into the intron before coding-DNA position 4987, T replaced by A.
Molecular consequence: intron variant.
Genome position (GRCh38, 1-based): chr17:43,067,700, A>T on the plus strand (T>A on the coding strand, the complement: BRCA1 is on the minus strand). VCF-style: chr17-43067700-A-T. GRCh37 (hg19) VCF-style: chr17-41219717-A-T.
Other names: c.1534-5T>A (NM_001408458.1, NM_001408461.1, NM_001408464.1 and 7 more transcripts); c.4096-5T>A (NM_001407967.1); c.4606-5T>A (NM_001407959.1); c.4720-5T>A (NM_001407931.1, NM_001407932.1, NM_001407928.1 and 4 more transcripts); c.4843-5T>A (NM_001407747.1, NM_001407745.1, NM_001407737.1 and 21 more transcripts); c.4603-5T>A (NM_001407962.1, NM_001407960.1); c.1174-5T>A (NM_001408512.1); c.1297-5T>A (NM_001408510.1); and 71 more.
Identifiers: ClinVar variation 55347 (VCV000055347.15), dbSNP rs397509214, ClinGen allele CA003135.